The following is an entry in ClinVar:

ClinVar aggregate classification (germline): Likely benign (0 of 4 stars; one submission).

Conditions:
SLC4A7-related disorder. Also called: SLC4A7-related condition.

Allele frequency attached by ClinVar (database versions not stated): TOPMed below 0.00001; gnomAD 0.00004; gnomAD exomes 0.00007; ExAC 0.00022; 1000 Genomes Project 30x 0.00031; 1000 Genomes Project 0.00040.
gnomAD v4.1: 102 of 1,558,366 alleles (0.0065%); highest among the groups gnomAD compares: South Asian, 0.12%; 2 homozygotes.

Submission:

PreventionGenetics, part of Exact Sciences
Classification: Likely benign for SLC4A7-related condition. Last evaluated: 2019-07-02. Review status: no assertion criteria provided. Collection method: clinical testing. Allele origin: germline.
Comment: This variant is classified as likely benign based on ACMG/AMP sequence variant interpretation guidelines (Richards et al. 2015 PMID: 25741868, with internal and published modifications).

NM_001321103.2(SLC4A7):c.1513-3T>C

Gene: SLC4A7 (solute carrier family 4 member 7; minus strand). Cytogenetic location: 3p24.1.
Variant type: single nucleotide variant.
Coding change: c.1513-3T>C on transcript NM_001321103.2 (MANE Select); 3 bases into the intron before coding-DNA position 1513, T replaced by C.
Molecular consequence: intron variant.
Genome position (GRCh38, 1-based): chr3:27,418,635, A>G on the plus strand (T>C on the coding strand, the complement: SLC4A7 is on the minus strand). VCF-style: chr3-27418635-A-G. GRCh37 (hg19) VCF-style: chr3-27460126-A-G.
Other names: c.1462-3T>C (NM_001321106.2); c.1129-3T>C (NM_001321107.2, NM_001258379.2); c.1474-3T>C (NM_001321105.2, NM_001321104.2); c.1141-3T>C (NM_001321108.2); c.1114-3T>C (NM_001258380.2); c.1486-3T>C (NM_003615.5).
Identifiers: ClinVar variation 3042998 (VCV003042998.2), dbSNP rs563086546, ClinGen allele CA2291908.
Genomic context (GRCh38, chr3:27,418,635, plus strand): 5'-CAATTCCAGATAAGAGGTCATTTCTGTCTTTTGCTTTATAAGCTACATCATGGAAAATCT[A>G]AGTGAAAAAAATATTGAGTAAAAGATTTTAAAGTTGAAAAAAATTTCTACACATAGTAAA-3'